The following is an entry in ClinVar:

ClinVar aggregate classification (germline): Uncertain significance (1 of 4 stars; one submission).

Submission:

Labcorp Genetics (formerly Invitae), Labcorp
Classification: Uncertain significance. Last evaluated: 2018-08-20. Review status: criteria provided, single submitter. Criteria: Invitae Variant Classification Sherloc (09022015). Collection method: clinical testing. Allele origin: germline.
Comment: This sequence change replaces serine with isoleucine at codon 432 of the CHAMP1 protein (p.Ser432Ile). The serine residue is moderately conserved and there is a large physicochemical difference between serine and isoleucine. This variant is not present in population databases (ExAC no frequency). This variant has not been reported in the literature in individuals with CHAMP1-related disease. Algorithms developed to predict the effect of missense changes on protein structure and function (SIFT, PolyPhen-2, Align-GVGD) all suggest that this variant is likely to be tolerated, but these predictions have not been confirmed by published functional studies and their clinical significance is uncertain. In summary, the available evidence is currently insufficient to determine the role of this variant in disease. Therefore, it has been classified as a Variant of Uncertain Significance.

NM_032436.4(CHAMP1):c.1295G>T (p.Ser432Ile)

Gene: CHAMP1 (chromosome alignment maintaining phosphoprotein 1; plus strand). Cytogenetic location: 13q34.
Variant type: single nucleotide variant.
Coding change: c.1295G>T on transcript NM_032436.4 (MANE Select); coding-DNA position 1295, G replaced by T.
Protein change: p.Ser432Ile; replaces serine 432 with isoleucine.
Molecular consequence: missense variant.
Genome position (GRCh38, 1-based): chr13:114,325,137, G>T. VCF-style: chr13-114325137-G-T. GRCh37 (hg19) VCF-style: chr13-115090612-G-T.
Other names: c.1295G>T, p.Ser432Ile (NM_001164144.3, NM_001164145.3); short protein forms S432I.
Identifiers: ClinVar variation 648502 (VCV000648502.8), dbSNP rs1594130825, ClinGen allele CA388848377.
Genomic context (GRCh38, chr13:114,325,137, plus strand): 5'-TTCCCCCAGTGTCTCCAGAGCTTCGCAAACCCGGCCCACCACTATCCCCAGAGATCCGTA[G>T]TCCAGCAGGATCTCCAGAGCTCAGAAAACCCTCAGGGTCACCAGATCTTTGGAAGCTTTC-3'
Protein context (NP_115812.1, residues 422-442): PGPPLSPEIR[Ser432Ile]PAGSPELRKP